The following is an entry in ClinVar:

ClinVar aggregate classification (germline): Uncertain significance. Review status: criteria provided, multiple submitters, no conflicts (2 of 4 stars). 3 submissions from 3 submitters: Uncertain significance (3). Last evaluated 2026-04-01.

Conditions:
Carnitine acylcarnitine translocase deficiency (CACTD). Identifiers: Orphanet 159, MedGen C0342791, MONDO:0008918, OMIM 212138.

Allele frequency attached by ClinVar (database versions not stated): gnomAD exomes 0.00001.
gnomAD v4.1: 10 of 1,614,196 alleles (0.00062%); highest among the groups gnomAD compares: Non-Finnish European, 0.00076%; no homozygotes.

Submissions (3):

GeneDx
Classification: Uncertain significance. Last evaluated: 2026-04-01. Review status: criteria provided, single submitter. Criteria: GeneDx Variant Classification Process June 2021. Collection method: clinical testing. Allele origin: germline.
Comment: Not observed at significant frequency in large population cohorts (gnomAD); In silico analysis supports that this missense variant has a deleterious effect on protein structure/function; Has not been previously published as pathogenic or benign to our knowledge

Labcorp Genetics (formerly Invitae), Labcorp
Classification: Uncertain significance for Carnitine acylcarnitine translocase deficiency. Last evaluated: 2021-08-27. Review status: criteria provided, single submitter. Criteria: Invitae Variant Classification Sherloc (09022015). Collection method: clinical testing. Allele origin: germline.
Comment: This sequence change replaces proline with threonine at codon 241 of the SLC25A20 protein (p.Pro241Thr). The proline residue is highly conserved and there is a small physicochemical difference between proline and threonine. This variant is not present in population databases (ExAC no frequency). This variant has not been reported in the literature in individuals affected with SLC25A20-related conditions. Algorithms developed to predict the effect of missense changes on protein structure and function are either unavailable or do not agree on the potential impact of this missense change (SIFT: "Deleterious"; PolyPhen-2: "Possibly Damaging"; Align-GVGD: "Class C0"). In summary, the available evidence is currently insufficient to determine the role of this variant in disease. Therefore, it has been classified as a Variant of Uncertain Significance.

CENTOGENE GmbH and LLC - Guiding Precision Medicine
Classification: Uncertain significance for Carnitine acylcarnitine translocase deficiency. Last evaluated: 2018-12-28. Review status: criteria provided, single submitter. Criteria: ACMG Guidelines, 2015. Collection method: clinical testing. Allele origin: germline. Affected: yes.

NM_000387.6(SLC25A20):c.721C>A (p.Pro241Thr)

Gene: SLC25A20 (solute carrier family 25 member 20; minus strand). Cytogenetic location: 3p21.31.
Variant type: single nucleotide variant.
Coding change: c.721C>A on transcript NM_000387.6 (MANE Select); coding-DNA position 721, C replaced by A.
Protein change: p.Pro241Thr; replaces proline 241 with threonine.
Molecular consequence: missense variant.
Genome position (GRCh38, 1-based): chr3:48,858,629, G>T on the plus strand (C>A on the coding strand, the complement: SLC25A20 is on the minus strand). VCF-style: chr3-48858629-G-T. GRCh37 (hg19) VCF-style: chr3-48896062-G-T.
Other names: short protein forms P241T.
Identifiers: ClinVar variation 1001568 (VCV001001568.4), dbSNP rs2083598994, ClinGen allele CA352626064.